The following is an entry in ClinVar:

ClinVar aggregate classification (germline): Likely benign (0 of 4 stars; one submission).

Conditions:
SLC38A10-related disorder. Also called: SLC38A10-related condition.

gnomAD v4.1: 7 of 1,525,932 alleles (0.00046%); highest among the groups gnomAD compares: South Asian, 0.0025%; no homozygotes.

Submission:

PreventionGenetics, part of Exact Sciences
Classification: Likely benign for SLC38A10-related condition. Last evaluated: 2020-09-25. Review status: no assertion criteria provided. Collection method: clinical testing. Allele origin: germline.
Comment: This variant is classified as likely benign based on ACMG/AMP sequence variant interpretation guidelines (Richards et al. 2015 PMID: 25741868, with internal and published modifications).

NM_001037984.3(SLC38A10):c.2010C>T (p.Arg670=)

Gene: SLC38A10 (solute carrier family 38 member 10; minus strand). Cytogenetic location: 17q25.3.
Variant type: single nucleotide variant.
Coding change: c.2010C>T on transcript NM_001037984.3 (MANE Select); coding-DNA position 2010, C replaced by T.
Protein change: p.Arg670=; no amino-acid change (arginine 670 retained).
Molecular consequence: synonymous variant.
Genome position (GRCh38, 1-based): chr17:81,251,548, G>A on the plus strand (C>T on the coding strand, the complement: SLC38A10 is on the minus strand). VCF-style: chr17-81251548-G-A. GRCh37 (hg19) VCF-style: chr17-79225348-G-A.
Other names: c.2010C>T, p.Arg670= (NM_138570.4).
Identifiers: ClinVar variation 3031872 (VCV003031872.2), dbSNP rs781063838, ClinGen allele CA502415261.
Genomic context (GRCh38, chr17:81,251,548, plus strand): 5'-CTTACCCTCCAGCTGGCTGGCCGCCTGGTTTCCACCCGCTCGCTCCACGTCCCTCTGCTC[G>A]CGAGGCTCGGGCGGCAGCCCAGGCCCTGGAGCCGGCTTCTCCGCTGGGAGGGGAGGCTTC-3'
Protein context (NP_001033073.1, residues 660-680): APGPGLPPEP[Arg670=]EQRDVERAGG